The following is an entry in ClinVar:

ClinVar aggregate classification (germline): Likely pathogenic (1 of 4 stars; one submission).

Conditions:
3M syndrome 1. Also called: 3-M Syndrome, CUL7-Related. Identifiers: Orphanet 2616, MedGen C2678312, MONDO:0010117, OMIM 273750.

Submission:

MVZ Medizinische Genetik Mainz
Classification: Likely pathogenic for 3M syndrome 1. Last evaluated: 2024-11-07. Review status: criteria provided, single submitter. Criteria: UK Practice Guidelines For Variant Classification V4 01 2020. Collection method: clinical testing. Allele origin: germline. Inheritance: Autosomal recessive inheritance. Affected: yes. Observed: 1 variant allele.
Comment: ACMG Criteria: PVS1_MOD,PS1_SUP,PM2_SUP,PM3; Compound Heterozygote

NM_014780.5(CUL7):c.3645+2T>C

Gene: CUL7 (cullin 7; minus strand). Cytogenetic location: 6p21.1.
Variant type: single nucleotide variant.
Coding change: c.3645+2T>C on transcript NM_014780.5 (MANE Select); the canonical splice donor site of the intron after coding-DNA position 3645, T replaced by C.
Molecular consequence: splice donor variant.
Genome position (GRCh38, 1-based): chr6:43,042,800, A>G on the plus strand (T>C on the coding strand, the complement: CUL7 is on the minus strand). VCF-style: chr6-43042800-A-G. GRCh37 (hg19) VCF-style: chr6-43010538-A-G.
Other names: c.3741+2T>C (NM_001168370.2, NM_001374872.1); c.3642+2T>C (NM_001374874.1); c.3645+2T>C (NM_001374873.1).
Identifiers: ClinVar variation 3383241 (VCV003383241.1).
Genomic context (GRCh38, chr6:43,042,800, plus strand): 5'-GAGGTGAGGAAGGGAGAGTTTGTCGGAAGAGACCCAAGGATGAGGCAAGGGTAGAGGCTT[A>G]CGTGGGCAGCTTTGAGAAAAGGGAGCTTCAGCAAGGCTCCCGCACAGCCATTTTGCAGCG-3'